The following is an entry in ClinVar:

ClinVar aggregate classification (germline): Benign/Likely benign. Review status: criteria provided, multiple submitters, no conflicts (2 of 4 stars). 4 submissions from 4 submitters: Benign (1); Likely benign (3). Last evaluated 2024-05-22.

Conditions:
Familial adenomatous polyposis 1 (FAP1). Also called: POLYPOSIS, ADENOMATOUS INTESTINAL; FAMILIAL ADENOMATOUS POLYPOSIS 1, ATTENUATED. Identifiers: MedGen C2713442, MONDO:0021056, OMIM 175100. Disease mechanism: loss of function.
Hereditary cancer-predisposing syndrome. Also called: Hereditary neoplastic syndrome; Neoplastic Syndromes, Hereditary; Tumor predisposition; Hereditary Cancer Syndrome. Identifiers: Orphanet 140162, MedGen C0027672, MeSH D009386, MONDO:0015356.

Submissions (4):

Labcorp Genetics (formerly Invitae), Labcorp
Classification: Likely benign for Familial adenomatous polyposis 1. Last evaluated: 2024-05-22. Review status: criteria provided, single submitter. Criteria: Invitae Variant Classification Sherloc (09022015). Collection method: clinical testing. Allele origin: germline.

Myriad Genetics, Inc.
Classification: Benign for Familial adenomatous polyposis 1. Last evaluated: 2024-02-23. Review status: criteria provided, single submitter. Criteria: Myriad Autosomal Dominant, Autosomal Recessive and X-Linked Classification Criteria (2023). Collection method: clinical testing. Allele origin: unknown.
Comment: This variant is considered benign. This variant is a silent/synonymous amino acid change and it is not expected to impact splicing.

Ambry Genetics
Classification: Likely benign for Hereditary cancer-predisposing syndrome. Last evaluated: 2023-11-07. Review status: criteria provided, single submitter. Criteria: Ambry Variant Classification Scheme 2023. Collection method: clinical testing. Allele origin: germline.

Color Diagnostics, LLC DBA Color Health
Classification: Likely benign for Hereditary cancer-predisposing syndrome. Last evaluated: 2022-11-06. Review status: criteria provided, single submitter. Criteria: ACMG Guidelines, 2015. Collection method: clinical testing. Allele origin: germline.

NM_000038.6(APC):c.405A>G (p.Glu135=)

Gene: APC (APC regulator of Wnt signaling pathway; plus strand). Cytogenetic location: 5q22.2.
Variant type: single nucleotide variant.
Coding change: c.405A>G on transcript NM_000038.6 (MANE Select); coding-DNA position 405, A replaced by G.
Protein change: p.Glu135=; no amino-acid change (glutamic acid 135 retained).
Molecular consequence: synonymous variant. On other transcripts: 5 prime UTR variant (1).
Genome position (GRCh38, 1-based): chr5:112,767,373, A>G. VCF-style: chr5-112767373-A-G. GRCh37 (hg19) VCF-style: chr5-112103070-A-G.
Other names: c.435A>G, p.Glu145= (NM_001354897.2, NM_001354902.2, NM_001127511.3); c.330A>G, p.Glu110= (NM_001354898.2, NM_001354904.2); c.405A>G, p.Glu135= (NM_001354899.2, NM_001354903.2, NM_001127510.3 and 2 more transcripts); c.228A>G, p.Glu76= (NM_001354900.2, NM_001354901.2, NM_001354905.2); c.-631A>G (NM_001354906.2).
Identifiers: ClinVar variation 469944 (VCV000469944.12), dbSNP rs1554069842, ClinGen allele CA445753429.